The following is an entry in ClinVar:

NM_032043.3(BRIP1):c.1414G>C (p.Glu472Gln)

Gene: BRIP1 (BRCA1 interacting DNA helicase 1; minus strand). Cytogenetic location: 17q23.2.
Variant type: single nucleotide variant.
Coding change: c.1414G>C on transcript NM_032043.3 (MANE Select); coding-DNA position 1414, G replaced by C.
Protein change: p.Glu472Gln; replaces glutamic acid 472 with glutamine.
Molecular consequence: missense variant.
Genome position (GRCh38, 1-based): chr17:61,793,656, C>G on the plus strand (G>C on the coding strand, the complement: BRIP1 is on the minus strand). VCF-style: chr17-61793656-C-G. GRCh37 (hg19) VCF-style: chr17-59871017-C-G.
Other names: short protein forms E472Q.
Identifiers: ClinVar variation 560877 (VCV000560877.7), dbSNP rs1555605902, ClinGen allele CA400482159.
Genomic context (GRCh38, chr17:61,793,656, plus strand): 5'-CCTGCAAAATGGGAAAAGTAGCAGTGGTGATACCCATTTTGTGTAAAGTTAAGAGCATTT[C>G]ATTTCCACTCCATATTTTACAAGCTGATTCATAATCTCTTTCTACAAGATATTCAGCGTT-3'
Protein context (NP_114432.2, residues 462-482): ESACKIWSGN[Glu472Gln]MLLTLHKMGI

ClinVar aggregate classification (germline): Uncertain significance. Review status: criteria provided, multiple submitters, no conflicts (2 of 4 stars). 3 submissions from 3 submitters: Uncertain significance (3). Last evaluated 2023-11-10.

Conditions:
Hereditary cancer-predisposing syndrome. Also called: Neoplastic Syndromes, Hereditary; Tumor predisposition; Hereditary Cancer Syndrome; Hereditary neoplastic syndrome. Identifiers: Orphanet 140162, MedGen C0027672, MeSH D009386, MONDO:0015356.
Fanconi anemia complementation group J. Also called: BRIP1-Related Fanconi Anemia. Identifiers: Orphanet 84, MedGen C1836860, MONDO:0012187, OMIM 609054.
Familial cancer of breast. Also called: Hereditary breast cancer; BREAST CANCER, FAMILIAL; hereditary breast carcinoma. Identifiers: Orphanet 227535, MedGen C0346153, MONDO:0016419, OMIM 114480. Disease mechanism: loss of function.

Submissions (3):

Labcorp Genetics (formerly Invitae), Labcorp
Classification: Uncertain significance for Familial cancer of breast; Fanconi anemia complementation group J. Last evaluated: 2023-11-10. Review status: criteria provided, single submitter. Criteria: Invitae Variant Classification Sherloc (09022015). Collection method: clinical testing. Allele origin: germline.
Comment: This sequence change replaces glutamic acid, which is acidic and polar, with glutamine, which is neutral and polar, at codon 472 of the BRIP1 protein (p.Glu472Gln). This variant is not present in population databases (gnomAD no frequency). This variant has not been reported in the literature in individuals affected with BRIP1-related conditions. ClinVar contains an entry for this variant (Variation ID: 560877). Advanced modeling of protein sequence and biophysical properties (such as structural, functional, and spatial information, amino acid conservation, physicochemical variation, residue mobility, and thermodynamic stability) performed at Invitae indicates that this missense variant is not expected to disrupt BRIP1 protein function with a negative predictive value of 80%. In summary, the available evidence is currently insufficient to determine the role of this variant in disease. Therefore, it has been classified as a Variant of Uncertain Significance.

Ambry Genetics
Classification: Uncertain significance for Hereditary cancer-predisposing syndrome. Last evaluated: 2022-12-09. Review status: criteria provided, single submitter. Criteria: Ambry Variant Classification Scheme 2023. Collection method: clinical testing. Allele origin: germline.
Comment: The p.E472Q variant (also known as c.1414G>C), located in coding exon 9 of the BRIP1 gene, results from a G to C substitution at nucleotide position 1414. The glutamic acid at codon 472 is replaced by glutamine, an amino acid with highly similar properties. This amino acid position is conserved. In addition, the in silico prediction for this alteration is inconclusive. Since supporting evidence is limited at this time, the clinical significance of this alteration remains unclear.

PreventionGenetics, part of Exact Sciences
Classification: Uncertain significance. Last evaluated: 2017-08-24. Review status: criteria provided, single submitter. Criteria: ACMG Guidelines, 2015. Collection method: clinical testing. Allele origin: germline.